The following is an entry in ClinVar:

ClinVar aggregate classification (germline): Uncertain significance (1 of 4 stars; one submission).

Conditions:
Werner syndrome (WRN). Identifiers: Orphanet 902, MedGen C0043119, MONDO:0010196, OMIM 277700.

Submission:

Labcorp Genetics (formerly Invitae), Labcorp
Classification: Uncertain significance for Werner syndrome. Last evaluated: 2023-02-03. Review status: criteria provided, single submitter. Criteria: Invitae Variant Classification Sherloc (09022015). Collection method: clinical testing. Allele origin: germline.
Comment: In summary, the available evidence is currently insufficient to determine the role of this variant in disease. Therefore, it has been classified as a Variant of Uncertain Significance. An algorithm developed to predict the effect of missense changes on protein structure and function (PolyPhen-2) suggests that this variant is likely to be tolerated. This variant has not been reported in the literature in individuals affected with WRN-related conditions. This variant is not present in population databases (gnomAD no frequency). This sequence change replaces aspartic acid, which is acidic and polar, with tyrosine, which is neutral and polar, at codon 372 of the WRN protein (p.Asp372Tyr).

NM_000553.6(WRN):c.1114G>T (p.Asp372Tyr)

Gene: WRN (WRN RecQ like helicase; plus strand). Cytogenetic location: 8p12.
Variant type: single nucleotide variant.
Coding change: c.1114G>T on transcript NM_000553.6 (MANE Select); coding-DNA position 1114, G replaced by T.
Protein change: p.Asp372Tyr; replaces aspartic acid 372 with tyrosine.
Molecular consequence: missense variant.
Genome position (GRCh38, 1-based): chr8:31,081,141, G>T. VCF-style: chr8-31081141-G-T. GRCh37 (hg19) VCF-style: chr8-30938657-G-T.
Other names: short protein forms D372Y.
Identifiers: ClinVar variation 2831816 (VCV002831816.3), dbSNP rs2130119996, ClinGen allele CA370920803.